The following is an entry in ClinVar:

ClinVar aggregate classification (germline): Likely benign (1 of 4 stars; one submission).

gnomAD v4.1: 1 of 1,557,550 alleles (0.000064%); highest among the groups gnomAD compares: Non-Finnish European, 0.000086%; no homozygotes.

Submission:

CeGaT Center for Human Genetics Tuebingen
Classification: Likely benign. Last evaluated: 2024-12-01. Review status: criteria provided, single submitter. Criteria: CeGaT Center For Human Genetics Tuebingen Variant Classification Criteria Version 2. Collection method: clinical testing. Allele origin: germline. Affected: yes. Observed: 1 variant allele.
Comment: RLF: BP4, BP7

NM_012421.4(RLF):c.33C>A (p.Val11=)

Gene: RLF (RLF zinc finger; plus strand). Cytogenetic location: 1p34.2.
Variant type: single nucleotide variant.
Coding change: c.33C>A on transcript NM_012421.4 (MANE Select); coding-DNA position 33, C replaced by A.
Protein change: p.Val11=; no amino-acid change (valine 11 retained).
Molecular consequence: synonymous variant.
Genome position (GRCh38, 1-based): chr1:40,161,432, C>A. VCF-style: chr1-40161432-C-A. GRCh37 (hg19) VCF-style: chr1-40627104-C-A.
Identifiers: ClinVar variation 3771767 (VCV003771767.13).